The following is an entry in ClinVar:

ClinVar aggregate classification (germline): Uncertain significance (1 of 4 stars; one submission).

Allele frequency attached by ClinVar (database versions not stated): gnomAD exomes below 0.00001; ExAC 0.00001; gnomAD 0.00001.

Submission:

Labcorp Genetics (formerly Invitae), Labcorp
Classification: Uncertain significance. Last evaluated: 2023-11-15. Review status: criteria provided, single submitter. Criteria: Invitae Variant Classification Sherloc (09022015). Collection method: clinical testing. Allele origin: germline.
Comment: This sequence change replaces glutamic acid, which is acidic and polar, with alanine, which is neutral and non-polar, at codon 301 of the SLC25A32 protein (p.Glu301Ala). This variant is present in population databases (rs765104067, gnomAD 0.01%). This variant has not been reported in the literature in individuals affected with SLC25A32-related conditions. Advanced modeling of protein sequence and biophysical properties (such as structural, functional, and spatial information, amino acid conservation, physicochemical variation, residue mobility, and thermodynamic stability) performed at Invitae indicates that this missense variant is expected to disrupt SLC25A32 protein function with a positive predictive value of 80%. In summary, the available evidence is currently insufficient to determine the role of this variant in disease. Therefore, it has been classified as a Variant of Uncertain Significance.

NM_030780.5(SLC25A32):c.902A>C (p.Glu301Ala)

Gene: SLC25A32 (solute carrier family 25 member 32; minus strand). Cytogenetic location: 8q22.3.
Variant type: single nucleotide variant.
Coding change: c.902A>C on transcript NM_030780.5 (MANE Select); coding-DNA position 902, A replaced by C.
Protein change: p.Glu301Ala; replaces glutamic acid 301 with alanine.
Molecular consequence: missense variant. On other transcripts: non-coding transcript variant (2).
Genome position (GRCh38, 1-based): chr8:103,400,457, T>G on the plus strand (A>C on the coding strand, the complement: SLC25A32 is on the minus strand). VCF-style: chr8-103400457-T-G. GRCh37 (hg19) VCF-style: chr8-104412685-T-G.
Other names: short protein forms E301A.
Identifiers: ClinVar variation 2791868 (VCV002791868.3), dbSNP rs765104067, ClinGen allele CA4835332.